The following is an entry in ClinVar:

ClinVar aggregate classification (germline): Conflicting classifications of pathogenicity. Review status: criteria provided, conflicting classifications (1 of 4 stars). 2 submissions from 2 submitters: Pathogenic (1); Uncertain significance (1). Last evaluated 2026-09-17.

Conditions:
CFI-related disorder. Also called: CFI-related condition; CFI-related disorders. Identifiers: MedGen CN239325.

Allele frequency attached by ClinVar (database versions not stated): gnomAD 0.00003.
gnomAD v4.1: 32 of 1,613,944 alleles (0.002%); highest among the groups gnomAD compares: Admixed American, 0.01%; no homozygotes.

Submissions (2):

Genomenon, Inc
Classification: Pathogenic for CFI-related disorder. Last evaluated: 2026-09-17. Review status: criteria provided, single submitter. Criteria: Genomenon Sequence Variant Interpretation Standards - Updated. Collection method: curation. Allele origin: germline. Affected: yes.
Comment: CFI p.Ala431Thr (c.1291G>A) is a missense variant that changes the amino acid at codon 431 from Alanine to Threonine. This variant has been observed in at least one proband affected with a CFI-related disorder (PMID:32510551;33956337;20016463). At least one functional study has demonstrated a substantial alteration in protein function relative to the wild-type (PMID:32510551;20016463). This variant is located in a mutational hotspot and/or important functional domain. It is absent or not present at a significant frequency in gnomAD. In silico models predict that this variant is possibly or probably damaging. In conclusion, we classify CFI p.Ala431Thr (c.1291G>A) as a pathogenic variant.

Labcorp Genetics (formerly Invitae), Labcorp
Classification: Uncertain significance. Last evaluated: 2025-10-21. Review status: criteria provided, single submitter. Criteria: Invitae Variant Classification Sherloc (09022015). Collection method: clinical testing. Allele origin: germline.
Comment: This sequence change replaces alanine, which is neutral and non-polar, with threonine, which is neutral and polar, at codon 431 of the CFI protein (p.Ala431Thr). This variant is present in population databases (rs758017357, gnomAD 0.009%). This missense change has been observed in individual(s) with CFI-related conditions (PMID: 20016463, 34153144, 38852887). ClinVar contains an entry for this variant (Variation ID: 2734667). Invitae Evidence Modeling of protein sequence and biophysical properties (such as structural, functional, and spatial information, amino acid conservation, physicochemical variation, residue mobility, and thermodynamic stability) indicates that this missense variant is expected to disrupt CFI protein function with a positive predictive value of 80%. In summary, the available evidence is currently insufficient to determine the role of this variant in disease. Therefore, it has been classified as a Variant of Uncertain Significance.

Literature cited by the submitters: PubMed 32510551 (cited by Genomenon, Inc); PubMed 33956337 (cited by Genomenon, Inc); PubMed 20016463 (cited by Genomenon, Inc and Labcorp Genetics (formerly Invitae), Labcorp); PubMed 34153144 (cited by Labcorp Genetics (formerly Invitae), Labcorp); PubMed 38852887 (cited by Labcorp Genetics (formerly Invitae), Labcorp).

NM_000204.5(CFI):c.1291G>A (p.Ala431Thr)

Gene: CFI (complement factor I; minus strand). Cytogenetic location: 4q25.
Variant type: single nucleotide variant.
Coding change: c.1291G>A on transcript NM_000204.5 (MANE Select); coding-DNA position 1291, G replaced by A.
Protein change: p.Ala431Thr; replaces alanine 431 with threonine.
Molecular consequence: missense variant. On other transcripts: non-coding transcript variant (2).
Genome position (GRCh38, 1-based): chr4:109,746,360, C>T on the plus strand (G>A on the coding strand, the complement: CFI is on the minus strand). VCF-style: chr4-109746360-C-T. GRCh37 (hg19) VCF-style: chr4-110667516-C-T.
Other names: c.1315G>A, p.Ala439Thr (NM_001318057.2, NM_001375278.1); c.1270G>A, p.Ala424Thr (NM_001331035.2, NM_001375280.1, NM_001375282.1); c.1291G>A, p.Ala431Thr (NM_001375279.1, NM_001375281.1); c.1234G>A, p.Ala412Thr (NM_001375283.1); c.682G>A, p.Ala228Thr (NM_001375284.1); short protein forms A424T, A412T, A228T, A431T, A439T.
Identifiers: ClinVar variation 2734667 (VCV002734667.5), dbSNP rs758017357, ClinGen allele CA3041950.